The following is an entry in ClinVar:

NM_000875.5(IGF1R):c.1972T>C (p.Tyr658His)

Gene: IGF1R (insulin like growth factor 1 receptor; plus strand). Cytogenetic location: 15q26.3.
Variant type: single nucleotide variant.
Coding change: c.1972T>C on transcript NM_000875.5 (MANE Select); coding-DNA position 1972, T replaced by C.
Protein change: p.Tyr658His; replaces tyrosine 658 with histidine.
Molecular consequence: missense variant.
Genome position (GRCh38, 1-based): chr15:98,916,107, T>C. VCF-style: chr15-98916107-T-C. GRCh37 (hg19) VCF-style: chr15-99459336-T-C.
Other names: c.1972T>C, p.Tyr658His (NM_001291858.2); short protein forms Y658H.
Identifiers: ClinVar variation 3769110 (VCV003769110.2).

ClinVar aggregate classification (germline): Uncertain significance (1 of 4 stars; one submission).

gnomAD v4.1: 2 of 1,614,180 alleles (0.00012%); highest among the groups gnomAD compares: Non-Finnish European, 0.00017%; no homozygotes.

Submission:

Women's Health and Genetics/Laboratory Corporation of America, LabCorp
Classification: Uncertain significance. Last evaluated: 2025-01-14. Review status: criteria provided, single submitter. Criteria: LabCorp Variant Classification Summary - May 2015. Collection method: clinical testing. Allele origin: germline.
Comment: Variant summary: IGF1R c.1972T>C (p.Tyr658His) results in a conservative amino acid change located in the Fibronectin type 3 domain (IPR003961) of the encoded protein sequence. Four of five in-silico tools predict a damaging effect of the variant on protein function. The variant was absent in 251476 control chromosomes. The available data on variant occurrences in the general population are insufficient to allow any conclusion about variant significance. To our knowledge, no occurrence of c.1972T>C in individuals affected with Growth Delay Due To Insulin-Like Growth Factor I Resistance and no experimental evidence demonstrating its impact on protein function have been reported. No submitters have cited clinical-significance assessments for this variant to ClinVar. Based on the evidence outlined above, the variant was classified as uncertain significance.